The following is an entry in ClinVar:

ClinVar aggregate classification (germline): Uncertain significance (1 of 4 stars; one submission).

Allele frequency attached by ClinVar (database versions not stated): gnomAD exomes 0.00003 and 0.00004; ExAC 0.00004; TOPMed 0.00006; gnomAD 0.00010; ESP Exome Variant Server 0.00015.
gnomAD v4.1: 55 of 1,613,460 alleles (0.0034%); highest among the groups gnomAD compares: African/African-American, 0.019%; no homozygotes.

Submission:

Labcorp Genetics (formerly Invitae), Labcorp
Classification: Uncertain significance. Last evaluated: 2021-09-17. Review status: criteria provided, single submitter. Criteria: Invitae Variant Classification Sherloc (09022015). Collection method: clinical testing. Allele origin: germline.
Comment: This sequence change replaces valine with isoleucine at codon 506 of the TTC37 protein (p.Val506Ile). The valine residue is moderately conserved and there is a small physicochemical difference between valine and isoleucine. This variant is present in population databases (rs140450878, ExAC 0.009%). This variant has not been reported in the literature in individuals with TTC37-related conditions. Algorithms developed to predict the effect of missense changes on protein structure and function output the following: SIFT: "Tolerated"; PolyPhen-2: "Benign"; Align-GVGD: "Class C0". The isoleucine amino acid residue is found in multiple mammalian species, suggesting that this missense change does not adversely affect protein function. These predictions have not been confirmed by published functional studies and their clinical significance is uncertain. In summary, the available evidence is currently insufficient to determine the role of this variant in disease. Therefore, it has been classified as a Variant of Uncertain Significance.

NM_014639.4(SKIC3):c.1516G>A (p.Val506Ile)

Gene: SKIC3 (SKI3 subunit of superkiller complex; minus strand). Cytogenetic location: 5q15.
Variant type: single nucleotide variant.
Coding change: c.1516G>A on transcript NM_014639.4 (MANE Select); coding-DNA position 1516, G replaced by A.
Protein change: p.Val506Ile; replaces valine 506 with isoleucine.
Molecular consequence: missense variant.
Genome position (GRCh38, 1-based): chr5:95,523,771, C>T on the plus strand (G>A on the coding strand, the complement: SKIC3 is on the minus strand). VCF-style: chr5-95523771-C-T. GRCh37 (hg19) VCF-style: chr5-94859475-C-T.
Other names: short protein forms V506I.
Identifiers: ClinVar variation 1516927 (VCV001516927.5), dbSNP rs140450878, ClinGen allele CA3347309.
Genomic context (GRCh38, chr5:95,523,771, plus strand): 5'-TGTCATCTAATTCAAAGGCTTTCCTATAACATCCACGAGCTCTGTTTTTATCTCCCACTA[C>T]GTCTCTATAATAATGACCTAAATAGCAGAAAACTTTGCCCATATATGTATCCAGTCTTGC-3'
Protein context (NP_055454.1, residues 496-516): FCYLGHYYRD[Val506Ile]VGDKNRARGC